The following is an entry in ClinVar:

NM_173477.5(USH1G):c.665G>A (p.Arg222Gln)

Gene: USH1G (USH1 protein network component sans; minus strand). Cytogenetic location: 17q25.1.
Variant type: single nucleotide variant.
Coding change: c.665G>A on transcript NM_173477.5 (MANE Select); coding-DNA position 665, G replaced by A.
Protein change: p.Arg222Gln; replaces arginine 222 with glutamine.
Molecular consequence: missense variant.
Genome position (GRCh38, 1-based): chr17:74,920,171, C>T on the plus strand (G>A on the coding strand, the complement: USH1G is on the minus strand). VCF-style: chr17-74920171-C-T. GRCh37 (hg19) VCF-style: chr17-72916266-C-T.
Other names: c.356G>A, p.Arg119Gln (NM_001282489.3); short protein forms R119Q, R222Q.
Identifiers: ClinVar variation 834490 (VCV000834490.7), dbSNP rs1003052325, ClinGen allele CA293984385.

ClinVar aggregate classification (germline): Uncertain significance (1 of 4 stars; one submission).

Allele frequency attached by ClinVar (database versions not stated): gnomAD exomes below 0.00001.
gnomAD v4.1: 3 of 1,602,124 alleles (0.00019%); highest among the groups gnomAD compares: Admixed American, 0.0017%; no homozygotes.

Submission:

Labcorp Genetics (formerly Invitae), Labcorp
Classification: Uncertain significance. Last evaluated: 2022-02-10. Review status: criteria provided, single submitter. Criteria: Invitae Variant Classification Sherloc (09022015). Collection method: clinical testing. Allele origin: germline.
Comment: ClinVar contains an entry for this variant (Variation ID: 834490). This variant has not been reported in the literature in individuals affected with USH1G-related conditions. This variant is present in population databases (no rsID available, gnomAD 0.003%). This sequence change replaces arginine, which is basic and polar, with glutamine, which is neutral and polar, at codon 222 of the USH1G protein (p.Arg222Gln). Algorithms developed to predict the effect of missense changes on protein structure and function are either unavailable or do not agree on the potential impact of this missense change (SIFT: "Not Available"; PolyPhen-2: "Benign"; Align-GVGD: "Not Available"). In summary, the available evidence is currently insufficient to determine the role of this variant in disease. Therefore, it has been classified as a Variant of Uncertain Significance.